The following is an entry in ClinVar:

ClinVar aggregate classification (germline): Uncertain significance (1 of 4 stars; one submission).

Conditions:
Cardiomyopathy (CMYO). Also called: Cardiomyopathies. Identifiers: Orphanet 167848, MedGen C0878544, MONDO:0004994, HP:0001638. Inheritance: Various modes of inheritance.

Allele frequency attached by ClinVar (database versions not stated): TOPMed 0.00001.

Submission:

Color Diagnostics, LLC DBA Color Health
Classification: Uncertain significance for Cardiomyopathy. Last evaluated: 2023-08-15. Review status: criteria provided, single submitter. Criteria: ACMG Guidelines, 2015. Collection method: clinical testing. Allele origin: germline.
Comment: This missense variant replaces alanine with glycine at codon 627 of the MYBPC3 protein. Computational prediction is inconclusive regarding the impact of this variant on protein structure and function (internally defined REVEL score threshold 0.5 < inconclusive < 0.7, PMID: 27666373). To our knowledge, functional studies have not been reported for this variant. This variant has not been reported in individuals affected with MYBPC3-related disorders in the literature. This variant has not been identified in the general population by the Genome Aggregation Database (gnomAD). The available evidence is insufficient to determine the role of this variant in disease conclusively. Therefore, this variant is classified as a Variant of Uncertain Significance.

NM_000256.3(MYBPC3):c.1880C>G (p.Ala627Gly)

Gene: MYBPC3 (myosin binding protein C3; minus strand). Cytogenetic location: 11p11.2.
Variant type: single nucleotide variant.
Coding change: c.1880C>G on transcript NM_000256.3 (MANE Select); coding-DNA position 1880, C replaced by G.
Protein change: p.Ala627Gly; replaces alanine 627 with glycine.
Molecular consequence: missense variant.
Genome position (GRCh38, 1-based): chr11:47,341,155, G>C on the plus strand (C>G on the coding strand, the complement: MYBPC3 is on the minus strand). VCF-style: chr11-47341155-G-C. GRCh37 (hg19) VCF-style: chr11-47362706-G-C.
Other names: short protein forms A627G.
Identifiers: ClinVar variation 2773732 (VCV002773732.2), dbSNP rs1352376969, ClinGen allele CA380323672.